The following is an entry in ClinVar:

NM_001036.6(RYR3):c.3041A>G (p.Lys1014Arg)

Gene: RYR3 (ryanodine receptor 3; plus strand). Cytogenetic location: 15q14.
Variant type: single nucleotide variant.
Coding change: c.3041A>G on transcript NM_001036.6 (MANE Select); coding-DNA position 3041, A replaced by G.
Protein change: p.Lys1014Arg; replaces lysine 1014 with arginine.
Molecular consequence: missense variant.
Genome position (GRCh38, 1-based): chr15:33,634,599, A>G. VCF-style: chr15-33634599-A-G. GRCh37 (hg19) VCF-style: chr15-33926800-A-G.
Other names: c.3041A>G, p.Lys1014Arg (NM_001243996.4); short protein forms K1014R.
Identifiers: ClinVar variation 568001 (VCV000568001.8), dbSNP rs942257120, ClinGen allele CA268575659.

ClinVar aggregate classification (germline): Uncertain significance (1 of 4 stars; one submission).

Conditions:
Epileptic encephalopathy. Identifiers: MedGen C0543888, HP:0200134.

Allele frequency attached by ClinVar (database versions not stated): gnomAD exomes below 0.00001; TOPMed 0.00002; gnomAD 0.00002.
gnomAD v4.1: 5 of 1,613,856 alleles (0.00031%); highest among the groups gnomAD compares: African/African-American, 0.0053%; no homozygotes.

Submission:

Labcorp Genetics (formerly Invitae), Labcorp
Classification: Uncertain significance for Epileptic encephalopathy. Last evaluated: 2020-01-30. Review status: criteria provided, single submitter. Criteria: Invitae Variant Classification Sherloc (09022015). Collection method: clinical testing. Allele origin: germline.
Comment: In summary, the available evidence is currently insufficient to determine the role of this variant in disease. Therefore, it has been classified as a Variant of Uncertain Significance. Algorithms developed to predict the effect of missense changes on protein structure and function (SIFT, PolyPhen-2, Align-GVGD) all suggest that this variant is likely to be tolerated, but these predictions have not been confirmed by published functional studies and their clinical significance is uncertain. This variant has not been reported in the literature in individuals with RYR3-related disease. This variant is not present in population databases (ExAC no frequency). This sequence change replaces lysine with arginine at codon 1014 of the RYR3 protein (p.Lys1014Arg). The lysine residue is highly conserved and there is a small physicochemical difference between lysine and arginine.